The following is an entry in ClinVar:

ClinVar aggregate classification (germline): Uncertain significance. Review status: criteria provided, multiple submitters, no conflicts (2 of 4 stars). 2 submissions from 2 submitters: Uncertain significance (2). Last evaluated 2023-12-13.

Conditions:
Marfan syndrome (MFS). Also called: MARFAN SYNDROME, TYPE I; Marfan syndrome type 1; Marfan's syndrome; Marfan syndrome, classic; FBN1-Related Marfan Syndrome. Identifiers: Orphanet 284963, Orphanet 558, MedGen C0024796, MONDO:0007947, OMIM 154700.

Allele frequency attached by ClinVar (database versions not stated): gnomAD exomes below 0.00001.
gnomAD v4.1: 3 of 1,613,766 alleles (0.00019%); highest among the groups gnomAD compares: Non-Finnish European, 0.00017%; no homozygotes.

Submissions (2):

All of Us Research Program, National Institutes of Health
Classification: Uncertain significance for Marfan syndrome. Last evaluated: 2023-12-13. Review status: criteria provided, single submitter. Criteria: ACMG Guidelines, 2015. Collection method: clinical testing. Allele origin: germline. Inheritance: Autosomal dominant inheritance. Observed: 2 variant alleles, 2 heterozygotes.
Comment: This missense variant replaces methionine with isoleucine at codon 2201 of the FBN1 protein. Computational prediction is inconclusive regarding the impact of this variant on protein structure and function (internally defined REVEL score threshold 0.5 < inconclusive < 0.7, PMID: 27666373). To our knowledge, functional studies have not been reported for this variant. This variant has not been reported in individuals affected with FBN1-related disorders in the literature. This variant has been identified in 1/31390 chromosomes in the general population by the Genome Aggregation Database (gnomAD). The available evidence is insufficient to determine the role of this variant in disease conclusively. Therefore, this variant is classified as a Variant of Uncertain Significance.

This study involves interpretation of variants in research participants for the purpose of population health screening. Participant phenotype was not available at the time of variant classification. Additional details can be found in publication PMID: 35346344, PMCID: PMC8962531

CeGaT Center for Human Genetics Tuebingen
Classification: Uncertain significance. Last evaluated: 2023-11-01. Review status: criteria provided, single submitter. Criteria: CeGaT Center For Human Genetics Tuebingen Variant Classification Criteria Version 2. Collection method: clinical testing. Allele origin: germline. Affected: yes. Observed: 1 variant allele.
Comment: FBN1: PM2

NM_000138.5(FBN1):c.6603G>A (p.Met2201Ile)

Gene: FBN1 (fibrillin 1; minus strand). Cytogenetic location: 15q21.1.
Variant type: single nucleotide variant.
Coding change: c.6603G>A on transcript NM_000138.5 (MANE Select); coding-DNA position 6603, G replaced by A.
Protein change: p.Met2201Ile; replaces methionine 2201 with isoleucine.
Molecular consequence: missense variant.
Genome position (GRCh38, 1-based): chr15:48,434,607, C>T on the plus strand (G>A on the coding strand, the complement: FBN1 is on the minus strand). VCF-style: chr15-48434607-C-T. GRCh37 (hg19) VCF-style: chr15-48726804-C-T.
Other names: c.6603G>A, p.Met2201Ile (NM_001406716.1); short protein forms M2201I.
Identifiers: ClinVar variation 2672586 (VCV002672586.24), dbSNP rs1298438310, ClinGen allele CA392334667.